The following is an entry in ClinVar:

ClinVar aggregate classification (germline): Uncertain significance (1 of 4 stars; one submission).

Conditions:
Charcot-Marie-Tooth disease type 2B (CMT2B). Also called: CHARCOT-MARIE-TOOTH DISEASE, AUTOSOMAL DOMINANT, TYPE 2B; HEREDITARY MOTOR AND SENSORY NEUROPATHY IIB; Charcot-Marie-Tooth Neuropathy Type 2B; CHARCOT-MARIE-TOOTH DISEASE, AXONAL, TYPE 2B. Identifiers: Orphanet 99936, MedGen C1833219, MONDO:0010949, OMIM 600882.

Submission:

3billion
Classification: Uncertain significance for Charcot-Marie-Tooth disease type 2B. Last evaluated: 2023-02-23. Review status: criteria provided, single submitter. Criteria: ACMG Guidelines, 2015. Collection method: clinical testing. Allele origin: unknown. Affected: yes.
Comment: The variant is not observed in the gnomAD v2.1.1 dataset. Missense changes are a common disease-causing mechanism. In silico tool predictions suggest damaging effect of the variant on gene or gene product (REVEL: 0.88; 3Cnet: 0.66). A different missense change at the same codon (p.Ala156Thr) has been reported to be associated with RAB7A related disorder (ClinVar ID: VCV000805267). However the evidence of pathogenicity is insufficient at this time. Therefore, this variant is classified as VUS according to the recommendation of ACMG/AMP guideline.

NM_004637.6(RAB7A):c.467C>T (p.Ala156Val)

Gene: RAB7A (RAB7A, member RAS oncogene family; plus strand). Cytogenetic location: 3q21.3.
Variant type: single nucleotide variant.
Coding change: c.467C>T on transcript NM_004637.6 (MANE Select); coding-DNA position 467, C replaced by T.
Protein change: p.Ala156Val; replaces alanine 156 with valine.
Molecular consequence: missense variant.
Genome position (GRCh38, 1-based): chr3:128,807,610, C>T. VCF-style: chr3-128807610-C-T. GRCh37 (hg19) VCF-style: chr3-128526453-C-T.
Other names: short protein forms A156V.
Identifiers: ClinVar variation 2444053 (VCV002444053.1), dbSNP rs2107616088, ClinGen allele CA354709453.
Genomic context (GRCh38, chr3:128,807,610, plus strand): 5'-CAAAGCGGGCACAGGCCTGGTGCTACAGCAAAAACAACATTCCCTACTTTGAGACCAGTG[C>T]CAAGGAGGCCATCAACGTGGAGCAGGCGTTCCAGACGATTGCACGGAATGCACTTAAGCA-3'
Protein context (NP_004628.4, residues 146-166): KNNIPYFETS[Ala156Val]KEAINVEQAF